The following is an entry in ClinVar:

ClinVar aggregate classification (germline): Uncertain significance (1 of 4 stars; one submission).

Conditions:
Charcot-Marie-Tooth disease type 2E (CMT2E). Also called: CHARCOT-MARIE-TOOTH DISEASE, AXONAL, TYPE 2E; CHARCOT-MARIE-TOOTH NEUROPATHY, TYPE 2E. Identifiers: Orphanet 99939, MedGen C1843225, MONDO:0011894, OMIM 607684.

Allele frequency attached by ClinVar (database versions not stated): gnomAD exomes below 0.00001.
gnomAD v4.1: 1 of 1,613,616 alleles (0.000062%); highest among the groups gnomAD compares: Non-Finnish European, 0.000085%; no homozygotes.

Submission:

Labcorp Genetics (formerly Invitae), Labcorp
Classification: Uncertain significance for Charcot-Marie-Tooth disease type 2E. Last evaluated: 2023-09-29. Review status: criteria provided, single submitter. Criteria: Invitae Variant Classification Sherloc (09022015). Collection method: clinical testing. Allele origin: germline.
Comment: In summary, the available evidence is currently insufficient to determine the role of this variant in disease. Therefore, it has been classified as a Variant of Uncertain Significance. Advanced modeling of protein sequence and biophysical properties (such as structural, functional, and spatial information, amino acid conservation, physicochemical variation, residue mobility, and thermodynamic stability) performed at Invitae indicates that this missense variant is not expected to disrupt NEFL protein function. This variant has not been reported in the literature in individuals affected with NEFL-related conditions. This variant is not present in population databases (gnomAD no frequency). This sequence change replaces methionine, which is neutral and non-polar, with threonine, which is neutral and polar, at codon 273 of the NEFL protein (p.Met273Thr).

NM_006158.5(NEFL):c.818T>C (p.Met273Thr)

Gene: NEFL (neurofilament light chain; minus strand). Cytogenetic location: 8p21.2.
Variant type: single nucleotide variant.
Coding change: c.818T>C on transcript NM_006158.5 (MANE Select); coding-DNA position 818, T replaced by C.
Protein change: p.Met273Thr; replaces methionine 273 with threonine.
Molecular consequence: missense variant.
Genome position (GRCh38, 1-based): chr8:24,955,698, A>G on the plus strand (T>C on the coding strand, the complement: NEFL is on the minus strand). VCF-style: chr8-24955698-A-G. GRCh37 (hg19) VCF-style: chr8-24813212-A-G.
Other names: short protein forms M273T.
Identifiers: ClinVar variation 2764364 (VCV002764364.3), dbSNP rs1563251872, ClinGen allele CA370621563.